The following is an entry in ClinVar:

ClinVar aggregate classification (germline): Uncertain significance (1 of 4 stars; one submission).

Submission:

Labcorp Genetics (formerly Invitae), Labcorp
Classification: Uncertain significance. Last evaluated: 2020-11-23. Review status: criteria provided, single submitter. Criteria: Invitae Variant Classification Sherloc (09022015). Collection method: clinical testing. Allele origin: germline.
Comment: In summary, the available evidence is currently insufficient to determine the role of this variant in disease. Therefore, it has been classified as a Variant of Uncertain Significance. Algorithms developed to predict the effect of missense changes on protein structure and function (SIFT, PolyPhen-2, Align-GVGD) all suggest that this variant is likely to be tolerated, but these predictions have not been confirmed by published functional studies and their clinical significance is uncertain. This variant has not been reported in the literature in individuals with NEUROG3-related conditions. This variant is not present in population databases (ExAC no frequency). This sequence change replaces lysine with arginine at codon 86 of the NEUROG3 protein (p.Lys86Arg). The lysine residue is moderately conserved and there is a small physicochemical difference between lysine and arginine.

NM_020999.4(NEUROG3):c.257A>G (p.Lys86Arg)

Gene: NEUROG3 (neurogenin 3; minus strand). Cytogenetic location: 10q22.1.
Variant type: single nucleotide variant.
Coding change: c.257A>G on transcript NM_020999.4 (MANE Select); coding-DNA position 257, A replaced by G.
Protein change: p.Lys86Arg; replaces lysine 86 with arginine.
Molecular consequence: missense variant.
Genome position (GRCh38, 1-based): chr10:69,572,787, T>C on the plus strand (A>G on the coding strand, the complement: NEUROG3 is on the minus strand). VCF-style: chr10-69572787-T-C. GRCh37 (hg19) VCF-style: chr10-71332543-T-C.
Other names: short protein forms K86R.
Identifiers: ClinVar variation 1463276 (VCV001463276.8), dbSNP rs2133227201, ClinGen allele CA376922408.